The following is an entry in ClinVar:

NM_000981.4(RPL19):c.554T>C (p.Ile185Thr)

Gene: RPL19 (ribosomal protein L19; plus strand). Cytogenetic location: 17q12.
Variant type: single nucleotide variant.
Coding change: c.554T>C on transcript NM_000981.4 (MANE Select); coding-DNA position 554, T replaced by C.
Protein change: p.Ile185Thr; replaces isoleucine 185 with threonine.
Molecular consequence: missense variant.
Genome position (GRCh38, 1-based): chr17:39,204,611, T>C. VCF-style: chr17-39204611-T-C. GRCh37 (hg19) VCF-style: chr17-37360864-T-C.
Other names: c.548T>C, p.Ile183Thr (NM_001330200.1); short protein forms I183T, I185T.
Identifiers: ClinVar variation 3710746 (VCV003710746.2).

ClinVar aggregate classification (germline): Uncertain significance (1 of 4 stars; one submission).

gnomAD v4.1: 66 of 1,614,020 alleles (0.0041%); highest among the groups gnomAD compares: Non-Finnish European, 0.0053%; no homozygotes.

Submission:

Labcorp Genetics (formerly Invitae), Labcorp
Classification: Uncertain significance. Last evaluated: 2024-10-29. Review status: criteria provided, single submitter. Criteria: Invitae Variant Classification Sherloc (09022015). Collection method: clinical testing. Allele origin: germline.
Comment: This sequence change replaces isoleucine, which is neutral and non-polar, with threonine, which is neutral and polar, at codon 185 of the RPL19 protein (p.Ile185Thr). The frequency data for this variant in the population databases is considered unreliable, as metrics indicate poor data quality at this position in the gnomAD database. This variant has not been reported in the literature in individuals affected with RPL19-related conditions. An algorithm developed to predict the effect of missense changes on protein structure and function (PolyPhen-2) suggests that this variant is likely to be tolerated. In summary, the available evidence is currently insufficient to determine the role of this variant in disease. Therefore, it has been classified as a Variant of Uncertain Significance.